The following is an entry in ClinVar:

NM_000397.4(CYBB):c.66C>G (p.Asn22Lys)

Gene: CYBB (cytochrome b-245 beta chain; plus strand). Cytogenetic location: Xp21.1.
Variant type: single nucleotide variant.
Coding change: c.66C>G on transcript NM_000397.4 (MANE Select); coding-DNA position 66, C replaced by G.
Protein change: p.Asn22Lys; replaces asparagine 22 with lysine.
Molecular consequence: missense variant.
Genome position (GRCh38, 1-based): chrX:37,782,108, C>G. VCF-style: chrX-37782108-C-G. GRCh37 (hg19) VCF-style: chrX-37641361-C-G.
Other names: short protein forms N22K.
Identifiers: ClinVar variation 2431783 (VCV002431783.2), dbSNP rs193922450, ClinGen allele CA412972368.

ClinVar aggregate classification (germline): Uncertain significance (1 of 4 stars; one submission).

Conditions:
Granulomatous disease, chronic, X-linked. Also called: CYTOCHROME b-NEGATIVE GRANULOMATOUS DISEASE, CHRONIC, X-LINKED; GRANULOMATOUS DISEASE, CHRONIC, X-LINKED, SOMATIC MOSAIC. Identifiers: Orphanet 379, MedGen C1844376, MONDO:0010600, OMIM 306400.

Submission:

Laboratorio de Genetica e Diagnostico Molecular, Hospital Israelita Albert Einstein
Classification: Uncertain significance for Granulomatous disease, chronic, X-linked. Last evaluated: 2022-08-26. Review status: criteria provided, single submitter. Criteria: ACMG Guidelines, 2015. Collection method: clinical testing. Allele origin: germline. Affected: yes.
Comment: ACMG classification criteria: PM2 moderated